The following is an entry in ClinVar:

ClinVar aggregate classification (germline): Likely benign (0 of 4 stars; one submission).

Conditions:
PLXNA1-related disorder. Also called: PLXNA1-related condition.

Submission:

PreventionGenetics, part of Exact Sciences
Classification: Likely benign for PLXNA1-related condition. Last evaluated: 2021-12-06. Review status: no assertion criteria provided. Collection method: clinical testing. Allele origin: germline.
Comment: This variant is classified as likely benign based on ACMG/AMP sequence variant interpretation guidelines (Richards et al. 2015 PMID: 25741868, with internal and published modifications).

NM_032242.4(PLXNA1):c.3015-7C>T

Gene: PLXNA1 (plexin A1; plus strand). Cytogenetic location: 3q21.3.
Variant type: single nucleotide variant.
Coding change: c.3015-7C>T on transcript NM_032242.4 (MANE Select); 7 bases into the intron before coding-DNA position 3015, C replaced by T.
Molecular consequence: intron variant.
Genome position (GRCh38, 1-based): chr3:127,016,510, C>T. VCF-style: chr3-127016510-C-T. GRCh37 (hg19) VCF-style: chr3-126735353-C-T.
Identifiers: ClinVar variation 3357769 (VCV003357769.1).